The following is an entry in ClinVar:

ClinVar aggregate classification (germline): Uncertain significance (1 of 4 stars; one submission).

Allele frequency attached by ClinVar (database versions not stated): gnomAD 0.00001.

Submission:

Ambry Genetics
Classification: Uncertain significance. Last evaluated: 2023-04-24. Review status: criteria provided, single submitter. Criteria: Ambry Variant Classification Scheme 2023. Collection method: clinical testing. Allele origin: germline.
Comment: The p.M1943L variant (also known as c.5827A>T), located in coding exon 8 of the ALPK2 gene, results from an A to T substitution at nucleotide position 5827. The methionine at codon 1943 is replaced by leucine, an amino acid with highly similar properties. This amino acid position is conserved. In addition, this alteration is predicted to be tolerated by in silico analysis. Since supporting evidence is limited at this time, the clinical significance of this alteration remains unclear.

NM_052947.4(ALPK2):c.5827A>T (p.Met1943Leu)

Gene: ALPK2 (alpha kinase 2; minus strand). Cytogenetic location: 18q21.31.
Variant type: single nucleotide variant.
Coding change: c.5827A>T on transcript NM_052947.4 (MANE Select); coding-DNA position 5827, A replaced by T.
Protein change: p.Met1943Leu; replaces methionine 1943 with leucine.
Molecular consequence: missense variant.
Genome position (GRCh38, 1-based): chr18:58,517,021, T>A on the plus strand (A>T on the coding strand, the complement: ALPK2 is on the minus strand). VCF-style: chr18-58517021-T-A. GRCh37 (hg19) VCF-style: chr18-56184253-T-A.
Other names: short protein forms M1943L.
Identifiers: ClinVar variation 2560599 (VCV002560599.2), dbSNP rs1302643879, ClinGen allele CA402548647.